The following is an entry in ClinVar:

NM_001277313.2(FMN1):c.2044-2050G>A

Gene: FMN1 (formin 1; minus strand). Cytogenetic location: 15q13.3.
Variant type: single nucleotide variant.
Coding change: c.2044-2050G>A on transcript NM_001277313.2 (MANE Select); 2050 bases into the intron before coding-DNA position 2044, G replaced by A.
Molecular consequence: intron variant. On other transcripts: missense variant (1).
Genome position (GRCh38, 1-based): chr15:33,067,124, C>T on the plus strand (G>A on the coding strand, the complement: FMN1 is on the minus strand). VCF-style: chr15-33067124-C-T. GRCh37 (hg19) VCF-style: chr15-33359325-C-T.
Other names: c.761G>A, p.Gly254Asp (NM_001103184.4); c.761G>A (NM_001103184.2); short protein forms G254D.
Identifiers: ClinVar variation 1505783 (VCV001505783.9), dbSNP rs777316228, ClinGen allele CA7457278.
Genomic context (GRCh38, chr15:33,067,124, plus strand): 5'-GGAAGTTGGAATGACTTCTCTCCAGAGACTTCTTTTTTAGAAGAGGCACTCTCAGTGATA[C>T]CAACACTCGAATTCTGGTTTGTTACTGCAGGTAGGTCTTGGGACCCTTCTTCTCCCACCT-3'

ClinVar aggregate classification (germline): Uncertain significance. Review status: criteria provided, multiple submitters, no conflicts (2 of 4 stars). 2 submissions from 2 submitters: Uncertain significance (2). Last evaluated 2025-06-23.

Allele frequency attached by ClinVar (database versions not stated): gnomAD 0.00001; gnomAD exomes 0.00002; TOPMed 0.00002; ExAC 0.00003.

Submissions (2):

Labcorp Genetics (formerly Invitae), Labcorp
Classification: Uncertain significance. Last evaluated: 2025-06-23. Review status: criteria provided, single submitter. Criteria: Invitae Variant Classification Sherloc (09022015). Collection method: clinical testing. Allele origin: germline.
Comment: This sequence change replaces glycine, which is neutral and non-polar, with aspartic acid, which is acidic and polar, at codon 254 of the FMN1 protein (p.Gly254Asp). This variant is present in population databases (rs777316228, gnomAD 0.004%). This variant has not been reported in the literature in individuals affected with FMN1-related conditions. ClinVar contains an entry for this variant (Variation ID: 1505783). Experimental studies and prediction algorithms are not available or were not evaluated, and the functional significance of this variant is currently unknown. In summary, the available evidence is currently insufficient to determine the role of this variant in disease. Therefore, it has been classified as a Variant of Uncertain Significance.

Ambry Genetics
Classification: Uncertain significance. Last evaluated: 2021-11-15. Review status: criteria provided, single submitter. Criteria: Ambry Variant Classification Scheme 2023. Collection method: clinical testing. Allele origin: germline.